The following is an entry in ClinVar:

NM_002979.5(SCP2):c.1286A>G (p.Asp429Gly)

Gene: SCP2 (sterol carrier protein 2; plus strand). Cytogenetic location: 1p32.3.
Variant type: single nucleotide variant.
Coding change: c.1286A>G on transcript NM_002979.5 (MANE Select); coding-DNA position 1286, A replaced by G.
Protein change: p.Asp429Gly; replaces aspartic acid 429 with glycine.
Molecular consequence: missense variant.
Genome position (GRCh38, 1-based): chr1:53,028,019, A>G. VCF-style: chr1-53028019-A-G. GRCh37 (hg19) VCF-style: chr1-53493691-A-G.
Other names: c.74A>G, p.Asp25Gly (NM_001007099.3, NM_001007250.3); c.65A>G, p.Asp22Gly (NM_001007100.3); c.1214A>G, p.Asp405Gly (NM_001193599.2); c.1154A>G, p.Asp385Gly (NM_001193600.2); c.1043A>G, p.Asp348Gly (NM_001193617.2); short protein forms D25G, D22G, D385G, D405G, D348G, D429G.
Identifiers: ClinVar variation 1365806 (VCV001365806.6), dbSNP rs2150246070, ClinGen allele CA340377478.
Genomic context (GRCh38, chr1:53,028,019, plus strand): 5'-TTTTCCCCAGTTCTTTTAGAACTCATCAAATTGAAGCTGTTCCAACCAGCTCTGCAAGTG[A>G]TGGATTTAAGGCAAATCTTGTTTTTAAGGAGATTGAGAAGAAACTTGAAGAGGTAAGATT-3'
Protein context (NP_002970.2, residues 419-439): IEAVPTSSAS[Asp429Gly]GFKANLVFKE

ClinVar aggregate classification (germline): Uncertain significance (1 of 4 stars; one submission).

Submission:

Labcorp Genetics (formerly Invitae), Labcorp
Classification: Uncertain significance. Last evaluated: 2023-04-14. Review status: criteria provided, single submitter. Criteria: Invitae Variant Classification Sherloc (09022015). Collection method: clinical testing. Allele origin: germline.
Comment: This variant is not present in population databases (gnomAD no frequency). In summary, the available evidence is currently insufficient to determine the role of this variant in disease. Therefore, it has been classified as a Variant of Uncertain Significance. An algorithm developed to predict the effect of missense changes on protein structure and function (PolyPhen-2) suggests that this variant is likely to be tolerated. ClinVar contains an entry for this variant (Variation ID: 1365806). This variant has not been reported in the literature in individuals affected with SCP2-related conditions. This sequence change replaces aspartic acid, which is acidic and polar, with glycine, which is neutral and non-polar, at codon 429 of the SCP2 protein (p.Asp429Gly).